The following is an entry in ClinVar:

ClinVar aggregate classification (germline): Uncertain significance (1 of 4 stars; one submission).

Conditions:
Inborn genetic diseases. Identifiers: MedGen C0950123, MeSH D030342.

gnomAD v4.1: 2 of 1,614,040 alleles (0.00012%); highest among the groups gnomAD compares: South Asian, 0.0022%; no homozygotes.

Submission:

Ambry Genetics
Classification: Uncertain significance for Inborn genetic diseases. Last evaluated: 2025-05-27. Review status: criteria provided, single submitter. Criteria: Ambry Variant Classification Scheme 2023. Collection method: clinical testing. Allele origin: germline.
Comment: The p.T676A variant (also known as c.2026A>G), located in coding exon 8 of the MECOM gene, results from an A to G substitution at nucleotide position 2026. The threonine at codon 676 is replaced by alanine, an amino acid with similar properties. This amino acid position is conserved. In addition, this alteration is predicted to be tolerated by in silico analysis. Based on the available evidence, the clinical significance of this variant remains unclear.

NM_004991.4(MECOM):c.2026A>G (p.Thr676Ala)

Gene: MECOM (MDS1 and EVI1 complex locus; minus strand). Cytogenetic location: 3q26.2.
Variant type: single nucleotide variant.
Coding change: c.2026A>G on transcript NM_004991.4 (MANE Select); coding-DNA position 2026, A replaced by G.
Protein change: p.Thr676Ala; replaces threonine 676 with alanine.
Molecular consequence: missense variant. On other transcripts: intron variant (2).
Genome position (GRCh38, 1-based): chr3:169,115,846, T>C on the plus strand (A>G on the coding strand, the complement: MECOM is on the minus strand). VCF-style: chr3-169115846-T-C. GRCh37 (hg19) VCF-style: chr3-168833634-T-C.
Other names: c.1657A>G, p.Thr553Ala (NM_001105077.4); c.1462A>G, p.Thr488Ala (NM_001105078.4, NM_001164000.2, NM_001205194.2 and 4 more transcripts); c.1465A>G, p.Thr489Ala (NM_001163999.2, NM_001366467.2, NM_001366468.2 and 1 more transcripts); c.2026A>G, p.Thr676Ala (NM_001366466.2); c.1133-79A>G (NM_001366473.2); c.569-79A>G (NM_001366474.2); short protein forms T553A, T488A, T489A, T676A.
Identifiers: ClinVar variation 4053293 (VCV004053293.1).